The following is an entry in ClinVar:

ClinVar aggregate classification (germline): Uncertain significance (1 of 4 stars; one submission).

gnomAD v4.1: 1 of 1,607,382 alleles (0.000062%); highest among the groups gnomAD compares: Non-Finnish European, 0.000085%; no homozygotes.

Submission:

Labcorp Genetics (formerly Invitae), Labcorp
Classification: Uncertain significance. Last evaluated: 2025-07-16. Review status: criteria provided, single submitter. Criteria: Invitae Variant Classification Sherloc (09022015). Collection method: clinical testing. Allele origin: germline.
Comment: This sequence change falls in intron 5 of the NDUFA10 gene. It does not directly change the encoded amino acid sequence of the NDUFA10 protein. This variant is not present in population databases (gnomAD no frequency). This variant has not been reported in the literature in individuals affected with NDUFA10-related conditions. Algorithms developed to predict the effect of sequence changes on RNA splicing suggest that this variant may disrupt the consensus splice site. In summary, the available evidence is currently insufficient to determine the role of this variant in disease. Therefore, it has been classified as a Variant of Uncertain Significance.

NM_004544.4(NDUFA10):c.670-7T>A

Gene: NDUFA10 (NADH:ubiquinone oxidoreductase subunit A10; minus strand). Cytogenetic location: 2q37.3.
Variant type: single nucleotide variant.
Coding change: c.670-7T>A on transcript NM_004544.4 (MANE Select); 7 bases into the intron before coding-DNA position 670, T replaced by A.
Molecular consequence: intron variant. On other transcripts: non-coding transcript variant (4).
Genome position (GRCh38, 1-based): chr2:240,011,703, A>T on the plus strand (T>A on the coding strand, the complement: NDUFA10 is on the minus strand). VCF-style: chr2-240011703-A-T. GRCh37 (hg19) VCF-style: chr2-240951120-A-T.
Other names: c.670-7T>A (NM_001322020.2, NM_001410987.1, NM_001322019.2).
Identifiers: ClinVar variation 4721945 (VCV004721945.1).
Genomic context (GRCh38, chr2:240,011,703, plus strand): 5'-ATAGGCATTCTCAATGTCCTGTAGATAGGCAGAGGTGATCTTCATTTCATGTGGCTAAAC[A>T]GAAGCAGAAAAATCAAACTGGGAAACATTTAGAGTTCATTCTCTTTGACCTGTGCGTATA-3'